The following is an entry in ClinVar:

NM_177438.3(DICER1):c.601C>T (p.Arg201Cys)

Gene: DICER1 (dicer 1, ribonuclease III; minus strand). Cytogenetic location: 14q32.13.
Variant type: single nucleotide variant.
Coding change: c.601C>T on transcript NM_177438.3 (MANE Select); coding-DNA position 601, C replaced by T.
Protein change: p.Arg201Cys; replaces arginine 201 with cysteine.
Molecular consequence: missense variant.
Genome position (GRCh38, 1-based): chr14:95,129,605, G>A on the plus strand (C>T on the coding strand, the complement: DICER1 is on the minus strand). VCF-style: chr14-95129605-G-A. GRCh37 (hg19) VCF-style: chr14-95595942-G-A.
Other names: c.601C>T, p.Arg201Cys (NM_001195573.1, NM_001271282.3, NM_001291628.2 and 1 more transcripts); short protein forms R201C.
Identifiers: ClinVar variation 543634 (VCV000543634.14), dbSNP rs774514314, ClinGen allele CA390888250.
Genomic context (GRCh38, chr14:95,129,605, plus strand): 5'-CTTCCAATTCCTCTGGATCACATTTCCCATTTAAAATGGAAGCAGTTAGTCCCAAAATGC[G>A]AGGACATGATGGACAATTTTCACAGAGCTAACATAATAAAAGATACTGACAGTAAAGACT-3'
Protein context (NP_803187.1, residues 191-211): KLCENCPSCP[Arg201Cys]ILGLTASILN

ClinVar aggregate classification (germline): Uncertain significance. Review status: criteria provided, multiple submitters, no conflicts (2 of 4 stars). 3 submissions from 3 submitters: Uncertain significance (3). Last evaluated 2024-05-27.

Conditions:
DICER1-related tumor predisposition. Also called: DICER1-related pleuropulmonary blastoma cancer predisposition syndrome; DICER1 syndrome. Identifiers: Orphanet 284343, MedGen C3839822, MONDO:0100216.
Global developmental delay - lung cysts - overgrowth - Wilms tumor syndrome. Also called: GLOBAL DEVELOPMENTAL DELAY, LUNG CYSTS, OVERGROWTH, AND WILMS TUMOR; GLOW Syndrome. Identifiers: Orphanet 404476, MedGen C4748924, MONDO:0018445, OMIM 618272.
Hereditary cancer-predisposing syndrome. Also called: Neoplastic Syndromes, Hereditary; Tumor predisposition; Hereditary Cancer Syndrome; Hereditary neoplastic syndrome. Identifiers: Orphanet 140162, MedGen C0027672, MeSH D009386, MONDO:0015356.

gnomAD v4.1: 10 of 1,612,796 alleles (0.00062%); highest among the groups gnomAD compares: East Asian, 0.0022%; no homozygotes.

Submissions (3):

Ambry Genetics
Classification: Uncertain significance for Hereditary cancer-predisposing syndrome. Last evaluated: 2024-05-27. Review status: criteria provided, single submitter. Criteria: Ambry Variant Classification Scheme 2023. Collection method: clinical testing. Allele origin: germline.
Comment: The p.R201C variant (also known as c.601C>T), located in coding exon 5 of the DICER1 gene, results from a C to T substitution at nucleotide position 601. The arginine at codon 201 is replaced by cysteine, an amino acid with highly dissimilar properties. This amino acid position is highly conserved in available vertebrate species. In addition, this alteration is predicted to be deleterious by in silico analysis. Since supporting evidence is limited at this time, the clinical significance of this alteration remains unclear.

Baylor Genetics
Classification: Uncertain significance for Global developmental delay - lung cysts - overgrowth - Wilms tumor syndrome. Last evaluated: 2024-02-25. Review status: criteria provided, single submitter. Criteria: ACMG Guidelines, 2015. Collection method: clinical testing. Allele origin: unknown.

Labcorp Genetics (formerly Invitae), Labcorp
Classification: Uncertain significance for DICER1-related tumor predisposition. Last evaluated: 2023-08-01. Review status: criteria provided, single submitter. Criteria: Invitae Variant Classification Sherloc (09022015). Collection method: clinical testing. Allele origin: germline.
Comment: In summary, the available evidence is currently insufficient to determine the role of this variant in disease. Therefore, it has been classified as a Variant of Uncertain Significance. Advanced modeling of protein sequence and biophysical properties (such as structural, functional, and spatial information, amino acid conservation, physicochemical variation, residue mobility, and thermodynamic stability) performed at Invitae indicates that this missense variant is expected to disrupt DICER1 protein function. ClinVar contains an entry for this variant (Variation ID: 543634). This variant has not been reported in the literature in individuals affected with DICER1-related conditions. This variant is present in population databases (no rsID available, gnomAD 0.0009%). This sequence change replaces arginine, which is basic and polar, with cysteine, which is neutral and slightly polar, at codon 201 of the DICER1 protein (p.Arg201Cys).